The following is an entry in ClinVar:

NM_022168.4(IFIH1):c.145A>G (p.Thr49Ala)

Gene: IFIH1 (interferon induced with helicase C domain 1; minus strand). Cytogenetic location: 2q24.2.
Variant type: single nucleotide variant.
Coding change: c.145A>G on transcript NM_022168.4 (MANE Select); coding-DNA position 145, A replaced by G.
Protein change: p.Thr49Ala; replaces threonine 49 with alanine.
Molecular consequence: missense variant.
Genome position (GRCh38, 1-based): chr2:162,318,163, T>C on the plus strand (A>G on the coding strand, the complement: IFIH1 is on the minus strand). VCF-style: chr2-162318163-T-C. GRCh37 (hg19) VCF-style: chr2-163174673-T-C.
Other names: short protein forms T49A.
Identifiers: ClinVar variation 848148 (VCV000848148.9), dbSNP rs747135877, ClinGen allele CA1934889.

ClinVar aggregate classification (germline): Uncertain significance (1 of 4 stars; one submission).

Conditions:
Aicardi-Goutieres syndrome 7 (AGS7). Identifiers: Orphanet 51, MedGen C3888244, MONDO:0014367, OMIM 615846.
Singleton-Merten syndrome 1 (SGMRT1). Also called: Widened medullary cavities of bone, aortic calcification, abnormal dentition, and muscular weakness; Syndrome of widened medullary cavities of the metacarpals and phalanges, aortic calcification and abnormal dentition. Identifiers: Orphanet 85191, MedGen C4225427, MONDO:0024535, OMIM 182250.

Allele frequency attached by ClinVar (database versions not stated): TOPMed 0.00001; gnomAD exomes 0.00004; ExAC 0.00005.
gnomAD v4.1: 9 of 1,614,172 alleles (0.00056%); highest among the groups gnomAD compares: East Asian, 0.02%; no homozygotes.

Submission:

Labcorp Genetics (formerly Invitae), Labcorp
Classification: Uncertain significance for Aicardi-Goutieres syndrome 7; Singleton-Merten syndrome 1. Last evaluated: 2024-12-30. Review status: criteria provided, single submitter. Criteria: Invitae Variant Classification Sherloc (09022015). Collection method: clinical testing. Allele origin: germline.
Comment: This sequence change replaces threonine, which is neutral and polar, with alanine, which is neutral and non-polar, at codon 49 of the IFIH1 protein (p.Thr49Ala). This variant is present in population databases (rs747135877, gnomAD 0.06%). This variant has not been reported in the literature in individuals affected with IFIH1-related conditions. ClinVar contains an entry for this variant (Variation ID: 848148). An algorithm developed to predict the effect of missense changes on protein structure and function outputs the following: PolyPhen-2: "Benign". The alanine amino acid residue is found in multiple mammalian species, which suggests that this missense change does not adversely affect protein function. In summary, the available evidence is currently insufficient to determine the role of this variant in disease. Therefore, it has been classified as a Variant of Uncertain Significance.